The following is an entry in ClinVar:

ClinVar aggregate classification (germline): Uncertain significance. Review status: criteria provided, multiple submitters, no conflicts (2 of 4 stars). 2 submissions from 2 submitters: Uncertain significance (2). Last evaluated 2025-06-25.

Conditions:
Hereditary cancer-predisposing syndrome. Also called: Neoplastic Syndromes, Hereditary; Tumor predisposition; Hereditary neoplastic syndrome; Hereditary Cancer Syndrome. Identifiers: Orphanet 140162, MedGen C0027672, MeSH D009386, MONDO:0015356.
Cardiovascular phenotype. Identifiers: MedGen CN230736.
Neurofibromatosis, type 1 (NF1). Also called: NEUROFIBROMATOSIS, TYPE I, SOMATIC; Peripheral type neurofibromatosis; VON RECKLINGHAUSEN DISEASE; Neurofibromatosis, type I. Identifiers: Orphanet 636, MedGen C0027831, MONDO:0018975, OMIM 162200. Disease mechanism: loss of function.

Submissions (2):

Ambry Genetics
Classification: Uncertain significance for Cardiovascular phenotype; Hereditary cancer-predisposing syndrome. Last evaluated: 2025-06-25. Review status: criteria provided, single submitter. Criteria: Ambry Variant Classification Scheme 2023. Collection method: clinical testing. Allele origin: germline.
Comment: The p.V921L variant (also known as c.2761G>T), located in coding exon 21 of the NF1 gene, results from a G to T substitution at nucleotide position 2761. The valine at codon 921 is replaced by leucine, an amino acid with highly similar properties. This amino acid position is conserved. In addition, this alteration is predicted to be tolerated by in silico analysis. Since supporting evidence is limited at this time, the clinical significance of this alteration remains unclear.

Labcorp Genetics (formerly Invitae), Labcorp
Classification: Uncertain significance for Neurofibromatosis, type 1. Last evaluated: 2024-02-01. Review status: criteria provided, single submitter. Criteria: Invitae Variant Classification Sherloc (09022015). Collection method: clinical testing. Allele origin: germline.
Comment: This sequence change replaces valine, which is neutral and non-polar, with leucine, which is neutral and non-polar, at codon 921 of the NF1 protein (p.Val921Leu). This variant is not present in population databases (gnomAD no frequency). This variant has not been reported in the literature in individuals affected with NF1-related conditions. ClinVar contains an entry for this variant (Variation ID: 1795701). Advanced modeling of protein sequence and biophysical properties (such as structural, functional, and spatial information, amino acid conservation, physicochemical variation, residue mobility, and thermodynamic stability) performed at Invitae indicates that this missense variant is not expected to disrupt NF1 protein function with a negative predictive value of 95%. In summary, the available evidence is currently insufficient to determine the role of this variant in disease. Therefore, it has been classified as a Variant of Uncertain Significance.

NM_001042492.3(NF1):c.2761G>T (p.Val921Leu)

Gene: NF1 (neurofibromin 1; plus strand). Cytogenetic location: 17q11.2.
Variant type: single nucleotide variant.
Coding change: c.2761G>T on transcript NM_001042492.3 (MANE Select); coding-DNA position 2761, G replaced by T.
Protein change: p.Val921Leu; replaces valine 921 with leucine.
Molecular consequence: missense variant.
Genome position (GRCh38, 1-based): chr17:31,229,376, G>T. VCF-style: chr17-31229376-G-T. GRCh37 (hg19) VCF-style: chr17-29556394-G-T.
Other names: c.2761G>T, p.Val921Leu (NM_000267.4); short protein forms V921L.
Identifiers: ClinVar variation 1795701 (VCV001795701.6), dbSNP rs567023433, ClinGen allele CA398985435.